The following is an entry in ClinVar:

NM_130837.3(OPA1):c.1575_1608+4del

Gene: OPA1 (OPA1 mitochondrial dynamin like GTPase; plus strand). Cytogenetic location: 3q29.
Variant type: Deletion.
Coding change: c.1575_1608+4del on transcript NM_130837.3 (MANE Select); coding-DNA position 1575 through 4 bases into the intron after coding-DNA position 1608, 38 bases deleted.
Molecular consequence: splice donor variant.
Genome position (GRCh38, 1-based): chr3:193,644,072-193,644,109, 38 bases deleted; deleting any 38 consecutive bases within chr3:193,644,070-193,644,109 gives the same sequence; the c. name uses the placement nearest the transcript's 3' end. GRCh37 (hg19): chr3:193,361,861-193,361,898.
Other names: c.1038_1071+4del (NM_001354664.2); c.1041_1074+4del (NM_001354663.2); c.1464_1497+4del (NM_130834.3); c.1521_1554+4del (NM_130836.3); c.1410_1443+4del (NM_015560.3); c.1467_1500+4del (NM_130835.3); c.1356_1389+4del (NM_130832.3); c.1413_1446+4del (NM_130833.3); and 1 more.
Identifiers: ClinVar variation 871024 (VCV000871024.41), dbSNP rs1734176382, ClinGen allele CA1139655851.
Genomic context (GRCh38, chr3:193,644,069, plus strand): 5'-AGACTTGGTCAGTCAAATGGACCCTCATGGAAGGAGAACCATATTCGTTTTGACCAAAGT[AGACCTGGCAGAGAAAAATGTAGCCAGTCCAAGCAGGGT>A]GAGGTCAAATTCTTTGTTGCGAGAATAGATTCTTTGTAAAAGCTCCAGCTGTGATAGGGA-3'

ClinVar aggregate classification (germline): Pathogenic (1 of 4 stars; one submission).

Submission:

CeGaT Center for Human Genetics Tuebingen
Classification: Pathogenic. Last evaluated: 2023-11-01. Review status: criteria provided, single submitter. Criteria: CeGaT Center For Human Genetics Tuebingen Variant Classification Criteria Version 2. Collection method: clinical testing. Allele origin: germline. Affected: yes. Observed: 2 variant alleles.
Comment: OPA1: PVS1, PM2, PS4:Moderate, PS3:Supporting